The following is an entry in ClinVar:

ClinVar aggregate classification (germline): Uncertain significance. Review status: criteria provided, multiple submitters, no conflicts (2 of 4 stars). 2 submissions from 2 submitters: Uncertain significance (2). Last evaluated 2023-12-26.

Conditions:
Cardiovascular phenotype. Identifiers: MedGen CN230736.
Dilated cardiomyopathy 1AA (CMD1AA). Also called: CARDIOMYOPATHY, DILATED, 1AA, WITH OR WITHOUT LEFT VENTRICULAR NONCOMPACTION; CARDIOMYOPATHY, FAMILIAL HYPERTROPHIC, 23, WITH OR WITHOUT LEFT VENTRICULAR NONCOMPACTION; Cardiomyopathy, dilated, 1AA, with or without LVNC. Identifiers: Orphanet 154, MedGen C2677338, MONDO:0012808, OMIM 612158.
Primary familial hypertrophic cardiomyopathy (HCM). Identifiers: Orphanet 99739, MedGen C0949658, MeSH D024741, MONDO:0024573. Inheritance: Various modes of inheritance.

Allele frequency attached by ClinVar (database versions not stated): gnomAD exomes below 0.00001.
gnomAD v4.1: 1 of 1,614,222 alleles (0.000062%); highest among the groups gnomAD compares: Non-Finnish European, 0.000085%; no homozygotes.

Submissions (2):

Ambry Genetics
Classification: Uncertain significance for Cardiovascular phenotype. Last evaluated: 2023-12-26. Review status: criteria provided, single submitter. Criteria: Ambry Variant Classification Scheme 2023. Collection method: clinical testing. Allele origin: germline.

Labcorp Genetics (formerly Invitae), Labcorp
Classification: Uncertain significance for Primary familial hypertrophic cardiomyopathy; Dilated cardiomyopathy 1AA. Last evaluated: 2023-10-22. Review status: criteria provided, single submitter. Criteria: Invitae Variant Classification Sherloc (09022015). Collection method: clinical testing. Allele origin: germline.
Comment: This sequence change replaces isoleucine, which is neutral and non-polar, with threonine, which is neutral and polar, at codon 371 of the ACTN2 protein (p.Ile371Thr). This variant is not present in population databases (gnomAD no frequency). This variant has not been reported in the literature in individuals affected with ACTN2-related conditions. ClinVar contains an entry for this variant (Variation ID: 1971380). Advanced modeling of protein sequence and biophysical properties (such as structural, functional, and spatial information, amino acid conservation, physicochemical variation, residue mobility, and thermodynamic stability) performed at Invitae indicates that this missense variant is expected to disrupt ACTN2 protein function. In summary, the available evidence is currently insufficient to determine the role of this variant in disease. Therefore, it has been classified as a Variant of Uncertain Significance.

NM_001103.4(ACTN2):c.1112T>C (p.Ile371Thr)

Gene: ACTN2 (actinin alpha 2; plus strand). Cytogenetic location: 1q43.
Variant type: single nucleotide variant.
Coding change: c.1112T>C on transcript NM_001103.4 (MANE Select); coding-DNA position 1112, T replaced by C.
Protein change: p.Ile371Thr; replaces isoleucine 371 with threonine.
Molecular consequence: missense variant.
Genome position (GRCh38, 1-based): chr1:236,742,900, T>C. VCF-style: chr1-236742900-T-C. GRCh37 (hg19) VCF-style: chr1-236906200-T-C.
Other names: c.1112T>C, p.Ile371Thr (NM_001278343.2); c.488T>C, p.Ile163Thr (NM_001278344.2); c.362T>C, p.Ile121Thr (NM_001412150.1); c.1112T>C (NM_001103.2); short protein forms I121T, I163T, I371T.
Identifiers: ClinVar variation 1971380 (VCV001971380.6), dbSNP rs2527609100, ClinGen allele CA345381909.